The following is an entry in ClinVar:

NM_015215.4(CAMTA1):c.2160G>A (p.Gln720=)

Gene: CAMTA1 (calmodulin binding transcription activator 1; plus strand). Cytogenetic location: 1p36.23.
Variant type: single nucleotide variant.
Coding change: c.2160G>A on transcript NM_015215.4 (MANE Select); coding-DNA position 2160, G replaced by A.
Protein change: p.Gln720=; no amino-acid change (glutamine 720 retained).
Molecular consequence: synonymous variant.
Genome position (GRCh38, 1-based): chr1:7,664,707, G>A. VCF-style: chr1-7664707-G-A. GRCh37 (hg19) VCF-style: chr1-7724767-G-A.
Other names: c.2070G>A, p.Gln690= (NM_001349608.2, NM_001349612.2); c.2160G>A, p.Gln720= (NM_001349609.2, NM_001349610.2, NM_001410737.1); c.2088G>A, p.Gln696= (NM_001410738.1).
Identifiers: ClinVar variation 4691318 (VCV004691318.3).

ClinVar aggregate classification (germline): Likely benign. Review status: criteria provided, multiple submitters, no conflicts (2 of 4 stars). 3 submissions from 3 submitters: Likely benign (3). Last evaluated 2026-08-01.

gnomAD v4.1: 22 of 1,608,470 alleles (0.0014%); highest among the groups gnomAD compares: Middle Eastern, 0.033%; no homozygotes.

Submissions (3):

CeGaT Center for Human Genetics Tuebingen
Classification: Likely benign. Last evaluated: 2026-08-01. Review status: criteria provided, single submitter. Criteria: CeGaT Center For Human Genetics Tuebingen Variant Classification Criteria Version 2. Collection method: clinical testing. Allele origin: germline. Affected: yes. Observed: 1 variant allele.
Comment: CAMTA1: BP4, BP7

Labcorp Genetics (formerly Invitae), Labcorp
Classification: Likely benign. Last evaluated: 2025-09-03. Review status: criteria provided, single submitter. Criteria: Invitae Variant Classification Sherloc (09022015). Collection method: clinical testing. Allele origin: germline.

Blueprint Genetics
Classification: Likely benign. Last evaluated: 2024-07-11. Review status: criteria provided, single submitter. Criteria: ACMG Guidelines, 2015. Collection method: clinical testing. Allele origin: germline.